The following is an entry in ClinVar:

ClinVar aggregate classification (germline): Conflicting classifications of pathogenicity. Review status: criteria provided, conflicting classifications (1 of 4 stars). 17 submissions from 17 submitters: Uncertain significance (14); Likely benign (1). 2 of the submissions do not count toward it. Last evaluated 2026-05-27.

Conditions:
BRCA2-related cancer predisposition. Identifiers: MedGen CN377758, MONDO:0700269.
BRCA2-related disorder. Also called: BRCA2-related condition; BRCA2-related disorders. Identifiers: MedGen CN239275.
Hereditary cancer-predisposing syndrome. Also called: Hereditary Cancer Syndrome; Neoplastic Syndromes, Hereditary; Hereditary neoplastic syndrome; Tumor predisposition. Identifiers: Orphanet 140162, MedGen C0027672, MeSH D009386, MONDO:0015356.
Hereditary breast ovarian cancer syndrome. Also called: Hereditary breast and ovarian cancer syndrome; Breast and ovarian cancer; Hereditary breast and ovarian cancer syndrome (HBOC); BRCA1- and BRCA2-Associated Hereditary Breast and Ovarian Cancer; Hereditary breast and/or ovarian cancer syndrome; Hereditary breast and ovarian cancer. Identifiers: Orphanet 145, MedGen C0677776, MeSH D061325, MONDO:0003582. Disease mechanism: loss of function.
Breast-ovarian cancer, familial, susceptibility to, 2 (BROVCA2). Also called: BRCA2 Hereditary Breast and Ovarian Cancer. Identifiers: Orphanet 145, MedGen C2675520, MONDO:0012933, OMIM 612555. Disease mechanism: loss of function.
Prostate cancer. Also called: Malignant tumor of prostate. Identifiers: Orphanet 1331, MedGen C0376358, MONDO:0008315, HP:0012125.
Familial cancer of breast. Also called: hereditary breast carcinoma; BREAST CANCER, FAMILIAL; Hereditary breast cancer. Identifiers: Orphanet 227535, MedGen C0346153, MONDO:0016419, OMIM 114480. Disease mechanism: loss of function.

Allele frequency attached by ClinVar (database versions not stated): gnomAD 0.00001; ExAC 0.00002; gnomAD exomes 0.00001; TOPMed 0.00003.
gnomAD v4.1: 14 of 1,614,030 alleles (0.00087%); highest among the groups gnomAD compares: East Asian, 0.0022%; no homozygotes.

Submissions 1 to 7 of 17:

Women's Health and Genetics/Laboratory Corporation of America, LabCorp
Classification: Uncertain significance. Last evaluated: 2026-05-27. Review status: criteria provided, single submitter. Criteria: LabCorp Variant Classification Summary - May 2015. Collection method: clinical testing. Allele origin: germline.
Comment: Variant summary: BRCA2 c.8518A>G (p.Ile2840Val) results in a conservative amino acid change located in the Tower domain (IPR015205) of the encoded protein sequence. Algorithms developed to predict the effect of missense changes on protein structure and function all suggest that this variant is likely to be tolerated. The variant allele was found at a frequency of 8e-06 in 251176 control chromosomes. The available data on variant occurrences in the general population are insufficient to allow any conclusion about variant significance. c.8518A>G has been observed in individual(s) affected with BRCA2-related conditions but has also been observed in the control cohorts from multiple studies (e.g. Peixoto_2006, Salazar_2006, Li_2018, Su_2021, Dorling_2021, Guindalini_2022, Hori_2025). These report(s) do not provide unequivocal conclusions about association of the variant with disease. Co-occurrences with other pathogenic variant(s) have been reported (BRCA2 c.8639_8643del, p.Thr2880fs), providing supporting evidence for a benign role. At least one publication reports experimental evidence evaluating an impact on protein function. These results showed no damaging effect of this variant in a mouse embryonic stem cell (mESC)-based assay (Biswas_2023). The following publications have been ascertained in the context of this evaluation (PMID: 37922907, 28651617, 33471991, 35264596, 41163992, 19043619, 30078507, 24916970, 16826315, 15876480, 34917121). ClinVar contains an entry for this variant (Variation ID: 52609). Based on the evidence outlined above, the variant was classified as VUS-possibly benign.

Labcorp Genetics (formerly Invitae), Labcorp
Classification: Uncertain significance for Hereditary breast ovarian cancer syndrome. Last evaluated: 2025-10-28. Review status: criteria provided, single submitter. Criteria: Invitae Variant Classification Sherloc (09022015). Collection method: clinical testing. Allele origin: germline.
Comment: This sequence change replaces isoleucine, which is neutral and non-polar, with valine, which is neutral and non-polar, at codon 2840 of the BRCA2 protein (p.Ile2840Val). This variant is present in population databases (rs80359103, gnomAD 0.002%). This missense change has been observed in individual(s) with BRCA2-related conditions (PMID: 15876480, 16826315, 24916970, 35264596, 35534704, 35864222). This variant is also known as 8746A>G. ClinVar contains an entry for this variant (Variation ID: 52609). Invitae Evidence Modeling of protein sequence and biophysical properties (such as structural, functional, and spatial information, amino acid conservation, physicochemical variation, residue mobility, and thermodynamic stability) indicates that this missense variant is not expected to disrupt BRCA2 protein function with a negative predictive value of 95%. Experimental studies have shown that this missense change does not substantially affect BRCA2 function (PMID: 37922907). In summary, the available evidence is currently insufficient to determine the role of this variant in disease. Therefore, it has been classified as a Variant of Uncertain Significance.

Quest Diagnostics Nichols Institute San Juan Capistrano
Classification: Uncertain significance. Last evaluated: 2025-06-18. Review status: criteria provided, single submitter. Criteria: Quest Diagnostics criteria. Collection method: clinical testing. Allele origin: unknown.
Comment: The BRCA2 c.8518A>G (p.Ile2840Val) variant has been reported in the published literature in in individuals and families affected with breast and/or ovarian cancer (PMIDs: 35534704 (2022), 35264596 (2022), 35864222 (2022), 34917121 (2021), 33471991 (2021), 24916970 (2015), 16826315 (2006), 15876480 (2006)), see also LOVD), as well as in a reportedly unaffected individual (PMIDs: 33471991 (2021), see also LOVD). An experimental study reported this variant to be functional based on an Embryonic stem cell assay (ESC) and drug sensitivity assay (PMID: 37922907 (2023)). Additionally, this variant has been seen along with c.8482A>G (aka c.8710A>G p. (p.Ile2828Val)) in individuals with a personal and/or family history of breast and/or ovarian cancer (PMID: 16826315 (2006), 35534704 (2022)). The frequency of this variant in the general population (Genome Aggregation Database) is uninformative in the assessment of its pathogenicity. Analysis of this variant using bioinformatics tools for the prediction of the effect of amino acid changes on protein structure and function yielded conflicting predictions that this variant is deleterious or benign. Based on the available information, we are unable to determine the clinical significance of this variant.

Ambry Genetics
Classification: Likely benign for Hereditary cancer-predisposing syndrome. Last evaluated: 2025-05-15. Review status: criteria provided, single submitter. Criteria: Ambry Variant Classification Scheme 2023. Collection method: clinical testing. Allele origin: germline.

Dasa
Classification: Uncertain significance for Breast-ovarian cancer, familial, susceptibility to, 2. Last evaluated: 2025-04-02. Review status: criteria provided, single submitter. Criteria: DASA Assertion Criteria. Collection method: clinical testing. Allele origin: germline.
Comment: NM_000059.4(BRCA2):c.8518A>G (p.Ile2840Val) is a missense variant that results in the substitution of isoleucine with valine. This variant is rare in population databases. Computational prediction algorithms are consistent with a benign effect. The currently available literature and clinical evidence are not sufficient to establish a definitive association between this variant and the reported condition. Therefore, this variant is classified as a variant of uncertain significance.

KCCC/NGS Laboratory, Kuwait Cancer Control Center
Classification: Uncertain significance for Breast-ovarian cancer, familial, susceptibility to, 2. Last evaluated: 2024-10-09. Review status: criteria provided, single submitter. Criteria: ACMG Guidelines, 2015. Collection method: clinical testing. Allele origin: germline. Inheritance: Autosomal dominant inheritance. Affected: yes. Observed: 1 heterozygote.
Comment: This sequence change replaces isoleucine, which is neutral and non-polar, with valine, which is neutral and non-polar, at codon 2840 of the BRCA2 protein (p.Ile2840Val). This amino acid position is not well conserved .This variant is present in population databases (rs80359103, gnomAD 0.002%). This missense change has been observed in individual(s) with BRCA2-related conditions (PMID: 15876480, 16826315, 24916970, 35264596). This variant is also known as 8746A>G. ClinVar contains an entry for this variant (Variation ID: 52609). In addition, the in silico prediction for this alteration is inconclusive. In summary, the available evidence is currently insufficient to determine the role of this variant in disease. Therefore, it has been classified as a Variant of Uncertain Significance.

Molecular Pathology, Peter Maccallum Cancer Centre
Classification: Uncertain significance for Breast-ovarian cancer, familial, susceptibility to, 2. Last evaluated: 2024-09-24. Review status: criteria provided, single submitter. Criteria: ACMG Guidelines, 2015. Collection method: clinical testing. Allele origin: germline. Inheritance: Autosomal dominant inheritance.

NM_000059.4(BRCA2):c.8518A>G (p.Ile2840Val)

Gene: BRCA2 (BRCA2 DNA repair associated; plus strand). Cytogenetic location: 13q13.1.
Variant type: single nucleotide variant.
Coding change: c.8518A>G on transcript NM_000059.4 (MANE Select); coding-DNA position 8518, A replaced by G.
Protein change: p.Ile2840Val; replaces isoleucine 2840 with valine.
Molecular consequence: missense variant.
Genome position (GRCh38, 1-based): chr13:32,370,986, A>G. VCF-style: chr13-32370986-A-G. GRCh37 (hg19) VCF-style: chr13-32945123-A-G.
Other names: short protein forms I2840V.
Identifiers: ClinVar variation 52609 (VCV000052609.42), dbSNP rs80359103, ClinGen allele CA025690.